The following is an entry in ClinVar:

NM_001110556.2(FLNA):c.2317A>G (p.Lys773Glu)

Gene: FLNA (filamin A; minus strand). Cytogenetic location: Xq28.
Variant type: single nucleotide variant.
Coding change: c.2317A>G on transcript NM_001110556.2 (MANE Select); coding-DNA position 2317, A replaced by G.
Protein change: p.Lys773Glu; replaces lysine 773 with glutamic acid.
Molecular consequence: missense variant.
Genome position (GRCh38, 1-based): chrX:154,362,748, T>C on the plus strand (A>G on the coding strand, the complement: FLNA is on the minus strand). VCF-style: chrX-154362748-T-C. GRCh37 (hg19) VCF-style: chrX-153591116-T-C.
Other names: c.2317A>G, p.Lys773Glu (NM_001456.4); short protein forms K773E.
Identifiers: ClinVar variation 2938598 (VCV002938598.3), dbSNP rs2522749776, ClinGen allele CA415237519.

ClinVar aggregate classification (germline): Uncertain significance (1 of 4 stars; one submission).

Conditions:
Oto-palato-digital syndrome, type II (OPD2). Also called: FACIOPALATOOSSEOUS SYNDROME; OPD II SYNDROME; Otopalatodigital Syndrome, Type II; Otopalatodigital Syndrome Type 2 (FLNA-OPD2). Identifiers: Orphanet 669, Orphanet 90652, MedGen C1844696, MONDO:0010571, OMIM 304120.
Heterotopia, periventricular, X-linked dominant (PVNH1). Also called: PERIVENTRICULAR NODULAR HETEROTOPIA 1; X-linked periventricular heterotopia; PERIVENTRICULAR NODULAR HETEROTOPIA 4; HETEROTOPIA, PERIVENTRICULAR, 1. Identifiers: Orphanet 2149, Orphanet 82004, MedGen C1848213, MONDO:0010233, OMIM 300049.
Frontometaphyseal dysplasia (FMD1). Identifiers: Orphanet 1826, MedGen C0265293, MONDO:0015942.
Melnick-Needles syndrome (MNS). Also called: MELNICK-NEEDLES OSTEODYSPLASTY; OSTEODYSPLASTY OF MELNICK AND NEEDLES; Melnick-Needles Syndrome (FLNA-MNS). Identifiers: Orphanet 2484, MedGen C0025237, MONDO:0010650, OMIM 309350.

Submission:

Labcorp Genetics (formerly Invitae), Labcorp
Classification: Uncertain significance for Oto-palato-digital syndrome, type II; Heterotopia, periventricular, X-linked dominant; Frontometaphyseal dysplasia; Melnick-Needles syndrome. Last evaluated: 2023-10-03. Review status: criteria provided, single submitter. Criteria: Invitae Variant Classification Sherloc (09022015). Collection method: clinical testing. Allele origin: germline.
Comment: This sequence change replaces lysine, which is basic and polar, with glutamic acid, which is acidic and polar, at codon 773 of the FLNA protein (p.Lys773Glu). This variant is not present in population databases (gnomAD no frequency). This variant has not been reported in the literature in individuals affected with FLNA-related conditions. Advanced modeling of protein sequence and biophysical properties (such as structural, functional, and spatial information, amino acid conservation, physicochemical variation, residue mobility, and thermodynamic stability) performed at Invitae indicates that this missense variant is not expected to disrupt FLNA protein function. In summary, the available evidence is currently insufficient to determine the role of this variant in disease. Therefore, it has been classified as a Variant of Uncertain Significance.